The following is an entry in ClinVar:

NM_001267550.2(TTN):c.27550T>C (p.Cys9184Arg)

Gene: TTN (titin; minus strand). Cytogenetic location: 2q31.2.
Variant type: single nucleotide variant.
Coding change: c.27550T>C on transcript NM_001267550.2 (MANE Select); coding-DNA position 27550, T replaced by C.
Protein change: p.Cys9184Arg; replaces cysteine 9184 with arginine.
Molecular consequence: missense variant. On other transcripts: intron variant (3).
Genome position (GRCh38, 1-based): chr2:178,712,372, A>G on the plus strand (T>C on the coding strand, the complement: TTN is on the minus strand). VCF-style: chr2-178712372-A-G. GRCh37 (hg19) VCF-style: chr2-179577099-A-G.
Other names: c.26599T>C, p.Cys8867Arg (NM_001256850.1); c.23818T>C, p.Cys7940Arg (NM_133378.4); c.13282+25710T>C (NM_003319.4); c.13858+25710T>C (NM_133437.4); c.13657+25710T>C (NM_133432.3); short protein forms C7940R, C8867R, C9184R.
Identifiers: ClinVar variation 1702833 (VCV001702833.2), dbSNP rs2154296012, ClinGen allele CA349451490.

ClinVar aggregate classification (germline): Uncertain significance (1 of 4 stars; one submission).

Submission:

GeneDx
Classification: Uncertain significance. Last evaluated: 2022-02-22. Review status: criteria provided, single submitter. Criteria: GeneDx Variant Classification Process June 2021. Collection method: clinical testing. Allele origin: germline. Affected: yes.
Comment: Not observed at significant frequency in large population cohorts (gnomAD); Missense variant in a gene in which most reported pathogenic variants are truncating/loss-of-function; Has not been previously published as pathogenic or benign to our knowledge; In silico analysis supports that this variant does not alter splicing